The following is an entry in ClinVar:

ClinVar aggregate classification (germline): Uncertain significance. Review status: criteria provided, multiple submitters, no conflicts (2 of 4 stars). 3 submissions from 3 submitters: Uncertain significance (3). Last evaluated 2025-12-28.

Allele frequency attached by ClinVar (database versions not stated): gnomAD exomes 0.00002; ExAC 0.00003; gnomAD 0.00003 and 0.00004; TOPMed 0.00008.

Submissions (3):

Labcorp Genetics (formerly Invitae), Labcorp
Classification: Uncertain significance. Last evaluated: 2025-12-28. Review status: criteria provided, single submitter. Criteria: Invitae Variant Classification Sherloc (09022015). Collection method: clinical testing. Allele origin: germline.
Comment: This sequence change replaces arginine, which is basic and polar, with cysteine, which is neutral and slightly polar, at codon 127 of the UNC119 protein (p.Arg127Cys). This variant is present in population databases (rs761823478, gnomAD 0.004%). This variant has not been reported in the literature in individuals affected with UNC119-related conditions. ClinVar contains an entry for this variant (Variation ID: 286772). An algorithm developed to predict the effect of missense changes on protein structure and function (PolyPhen-2) suggests that this variant is likely to be disruptive. In summary, the available evidence is currently insufficient to determine the role of this variant in disease. Therefore, it has been classified as a Variant of Uncertain Significance.

Ambry Genetics
Classification: Uncertain significance. Last evaluated: 2025-12-11. Review status: criteria provided, single submitter. Criteria: Ambry Variant Classification Scheme 2023. Collection method: clinical testing. Allele origin: germline.

Eurofins Ntd Llc (ga)
Classification: Uncertain significance. Last evaluated: 2016-04-01. Review status: criteria provided, single submitter. Criteria: EGL Classification Definitions 2015. Collection method: clinical testing. Allele origin: germline. Observed: 1 variant allele, 1 heterozygote.

NM_005148.4(UNC119):c.379C>T (p.Arg127Cys)

Gene: UNC119 (unc-119 lipid binding chaperone; minus strand). Cytogenetic location: 17q11.2.
Variant type: single nucleotide variant.
Coding change: c.379C>T on transcript NM_005148.4 (MANE Select); coding-DNA position 379, C replaced by T.
Protein change: p.Arg127Cys; replaces arginine 127 with cysteine.
Molecular consequence: missense variant.
Genome position (GRCh38, 1-based): chr17:28,548,057, G>A on the plus strand (C>T on the coding strand, the complement: UNC119 is on the minus strand). VCF-style: chr17-28548057-G-A. GRCh37 (hg19) VCF-style: chr17-26875075-G-A.
Other names: c.94C>T, p.Arg32Cys (NM_001330166.2); c.379C>T, p.Arg127Cys (NM_054035.2); c.379C>T (NM_005148.3); short protein forms R127C, R32C.
Identifiers: ClinVar variation 286772 (VCV000286772.11), dbSNP rs761823478, ClinGen allele CA8459818.